The following is an entry in ClinVar:

ClinVar aggregate classification (germline): Pathogenic (1 of 4 stars; one submission).

Conditions:
Very long chain acyl-CoA dehydrogenase deficiency (ACADVLD). Also called: Very Long-Chain Acyl-Coenzyme A Dehydrogenase Deficiency; VLCAD Deficiency. Identifiers: Orphanet 26793, MedGen C3887523, MONDO:0008723, OMIM 201475.

Submission:

Labcorp Genetics (formerly Invitae), Labcorp
Classification: Pathogenic for Very long chain acyl-CoA dehydrogenase deficiency. Last evaluated: 2021-02-03. Review status: criteria provided, single submitter. Criteria: Invitae Variant Classification Sherloc (09022015). Collection method: clinical testing. Allele origin: germline.
Comment: For these reasons, this variant has been classified as Pathogenic. This variant has not been reported in the literature in individuals with ACADVL-related conditions. This variant is not present in population databases (ExAC no frequency). This sequence change creates a premature translational stop signal (p.Asn365Ilefs*30) in the ACADVL gene. It is expected to result in an absent or disrupted protein product. Loss-of-function variants in ACADVL are known to be pathogenic (PMID: 9973285, 11590124).

Literature cited by the submitters: PubMed 9973285; PubMed 11590124.

NM_000018.4(ACADVL):c.1093_1094insT (p.Asn365fs)

Gene: ACADVL (acyl-CoA dehydrogenase very long chain; plus strand). Cytogenetic location: 17p13.1.
Variant type: Insertion.
Coding change: c.1093_1094insT on transcript NM_000018.4 (MANE Select); coding-DNA positions 1093 to 1094, T inserted.
Protein change: p.Asn365fs; shifts the reading frame from asparagine 365.
Molecular consequence: frameshift variant.
Genome position: GRCh38 VCF-style: chr17-7223148-A-AT. GRCh37 (hg19) VCF-style: chr17-7126467-A-AT.
Other names: c.1027_1028insT, p.Asn343fs (NM_001033859.3); c.1162_1163insT, p.Asn388fs (NM_001270447.2); c.865_866insT, p.Asn289fs (NM_001270448.2); short protein forms N343fs, N365fs, N289fs, N388fs.
Identifiers: ClinVar variation 1392500 (VCV001392500.6), dbSNP rs2142982040, ClinGen allele CA2573154565.